The following is an entry in ClinVar:

NM_001004334.4(GPR179):c.3491T>A (p.Met1164Lys)

Gene: GPR179 (G protein-coupled receptor 179; minus strand). Cytogenetic location: 17q12.
Variant type: single nucleotide variant.
Coding change: c.3491T>A on transcript NM_001004334.4 (MANE Select); coding-DNA position 3491, T replaced by A.
Protein change: p.Met1164Lys; replaces methionine 1164 with lysine.
Molecular consequence: missense variant.
Genome position (GRCh38, 1-based): chr17:38,330,078, A>T on the plus strand (T>A on the coding strand, the complement: GPR179 is on the minus strand). VCF-style: chr17-38330078-A-T. GRCh37 (hg19) VCF-style: chr17-36485961-A-T.
Other names: short protein forms M1164K.
Identifiers: ClinVar variation 1921043 (VCV001921043.5), dbSNP rs2512161051, ClinGen allele CA398879589.
Genomic context (GRCh38, chr17:38,330,078, plus strand): 5'-GTCATCCTCCTGCCTCTGTCTTCTTGTTCCCTGCTGCCCTCCCGTTGACAGACTTGGAGC[A>T]TCCTGCTGGTGTGAGCGTTCTGTTGGTTCTGGAGGGACTCCTTGTCATCGGAGGGGATAA-3'
Protein context (NP_001004334.3, residues 1154-1174): QNQQNAHTSR[Met1164Lys]LQVCQREGSR

ClinVar aggregate classification (germline): Uncertain significance (1 of 4 stars; one submission).

Allele frequency attached by ClinVar (database versions not stated): gnomAD exomes below 0.00001.

Submission:

Labcorp Genetics (formerly Invitae), Labcorp
Classification: Uncertain significance. Last evaluated: 2025-09-02. Review status: criteria provided, single submitter. Criteria: Invitae Variant Classification Sherloc (09022015). Collection method: clinical testing. Allele origin: germline.
Comment: This sequence change replaces methionine, which is neutral and non-polar, with lysine, which is basic and polar, at codon 1164 of the GPR179 protein (p.Met1164Lys). This variant is not present in population databases (gnomAD no frequency). This variant has not been reported in the literature in individuals affected with GPR179-related conditions. ClinVar contains an entry for this variant (Variation ID: 1921043). An algorithm developed to predict the effect of missense changes on protein structure and function (PolyPhen-2) suggests that this variant is likely to be disruptive. In summary, the available evidence is currently insufficient to determine the role of this variant in disease. Therefore, it has been classified as a Variant of Uncertain Significance.